The following is an entry in ClinVar:

NM_005732.4(RAD50):c.3866T>A (p.Ile1289Asn)

Genes: TH2LCRR (T helper type 2 locus control region associated RNA; minus strand), RAD50 (RAD50 double strand break repair protein; plus strand). Cytogenetic location: 5q31.1.
Variant type: single nucleotide variant.
Coding change: c.3866T>A on transcript NM_005732.4 (MANE Select); coding-DNA position 3866, T replaced by A.
Protein change: p.Ile1289Asn; replaces isoleucine 1289 with asparagine.
Molecular consequence: missense variant.
Genome position (GRCh38, 1-based): chr5:132,642,291, T>A. VCF-style: chr5-132642291-T-A. GRCh37 (hg19) VCF-style: chr5-131977983-T-A.
Other names: short protein forms I1289N.
Identifiers: ClinVar variation 484718 (VCV000484718.14), dbSNP rs1554101330, ClinGen allele CA360937017.
Genomic context (GRCh38, chr5:132,642,291, plus strand): 5'-ATGATGAAGATTTTGTGGAGCTTTTAGGACGTTCTGAATATGTGGAGAAATTCTACAGGA[T>A]TAAAAAGAACATCGATCAGTGCTCAGAGATTGTGAAATGCAGTGTTAGCTCCCTGGGATT-3'
Protein context (NP_005723.2, residues 1279-1299): RSEYVEKFYR[Ile1289Asn]KKNIDQCSEI

ClinVar aggregate classification (germline): Uncertain significance. Review status: criteria provided, multiple submitters, no conflicts (2 of 4 stars). 2 submissions from 2 submitters: Uncertain significance (2). Last evaluated 2025-06-30.

Conditions:
Hereditary cancer-predisposing syndrome. Also called: Neoplastic Syndromes, Hereditary; Tumor predisposition; Hereditary Cancer Syndrome; Hereditary neoplastic syndrome. Identifiers: Orphanet 140162, MedGen C0027672, MeSH D009386, MONDO:0015356.

Submissions (2):

Ambry Genetics
Classification: Uncertain significance for Hereditary cancer-predisposing syndrome. Last evaluated: 2025-06-30. Review status: criteria provided, single submitter. Criteria: Ambry Variant Classification Scheme 2023. Collection method: clinical testing. Allele origin: germline.
Comment: The p.I1289N variant (also known as c.3866T>A), located in coding exon 25 of the RAD50 gene, results from a T to A substitution at nucleotide position 3866. The isoleucine at codon 1289 is replaced by asparagine, an amino acid with dissimilar properties. This amino acid position is well conserved in available vertebrate species. In addition, this alteration is predicted to be deleterious by in silico analysis. Since supporting evidence is limited at this time, the clinical significance of this alteration remains unclear.

Labcorp Genetics (formerly Invitae), Labcorp
Classification: Uncertain significance for Hereditary cancer-predisposing syndrome. Last evaluated: 2023-04-17. Review status: criteria provided, single submitter. Criteria: Invitae Variant Classification Sherloc (09022015). Collection method: clinical testing. Allele origin: germline.
Comment: This variant is not present in population databases (gnomAD no frequency). In summary, the available evidence is currently insufficient to determine the role of this variant in disease. Therefore, it has been classified as a Variant of Uncertain Significance. Advanced modeling of protein sequence and biophysical properties (such as structural, functional, and spatial information, amino acid conservation, physicochemical variation, residue mobility, and thermodynamic stability) performed at Invitae indicates that this missense variant is expected to disrupt RAD50 protein function. ClinVar contains an entry for this variant (Variation ID: 484718). This variant has not been reported in the literature in individuals affected with RAD50-related conditions. This sequence change replaces isoleucine, which is neutral and non-polar, with asparagine, which is neutral and polar, at codon 1289 of the RAD50 protein (p.Ile1289Asn).